The following is an entry in ClinVar:

NM_022458.4(LMBR1):c.1408C>T (p.Pro470Ser)

Gene: LMBR1 (limb development membrane protein 1; minus strand). Cytogenetic location: 7q36.3.
Variant type: single nucleotide variant.
Coding change: c.1408C>T on transcript NM_022458.4 (MANE Select); coding-DNA position 1408, C replaced by T.
Protein change: p.Pro470Ser; replaces proline 470 with serine.
Molecular consequence: missense variant. On other transcripts: non-coding transcript variant (2).
Genome position (GRCh38, 1-based): chr7:156,684,143, G>A on the plus strand (C>T on the coding strand, the complement: LMBR1 is on the minus strand). VCF-style: chr7-156684143-G-A. GRCh37 (hg19) VCF-style: chr7-156476837-G-A.
Other names: c.1531C>T, p.Pro511Ser (NM_001350953.2); c.967C>T, p.Pro323Ser (NM_001350954.2); c.952C>T, p.Pro318Ser (NM_001350955.2, NM_001350956.2, NM_001363413.2); c.877C>T, p.Pro293Ser (NM_001350957.2); c.790C>T, p.Pro264Ser (NM_001350958.2); c.1369C>T, p.Pro457Ser (NM_001363409.2); c.1246C>T, p.Pro416Ser (NM_001363410.2); c.1039C>T, p.Pro347Ser (NM_001363411.2); and 1 more; short protein forms P318S, P347S, P511S, P395S, P416S, P293S, P323S, P457S.
Identifiers: ClinVar variation 2352582 (VCV002352582.6), dbSNP rs369873566, ClinGen allele CA4587747.

ClinVar aggregate classification (germline): Conflicting classifications of pathogenicity. Review status: criteria provided, conflicting classifications (1 of 4 stars). 3 submissions from 3 submitters: Uncertain significance (2); Likely benign (1). Last evaluated 2026-04-28.

Conditions:
LMBR1-related disorder. Also called: LMBR1-related condition.
Inborn genetic diseases. Identifiers: MedGen C0950123, MeSH D030342.

Allele frequency attached by ClinVar (database versions not stated): gnomAD 0.00011; TOPMed 0.00011; ExAC 0.00013; ESP Exome Variant Server 0.00015.
gnomAD v4.1: 434 of 1,613,832 alleles (0.027%); highest among the groups gnomAD compares: Non-Finnish European, 0.036%; no homozygotes.

Submissions (3):

PreventionGenetics, part of Exact Sciences
Classification: Uncertain significance for LMBR1-related condition. Last evaluated: 2026-04-28. Review status: criteria provided, single submitter. Criteria: ACMG Guidelines, 2015. Collection method: clinical testing. Allele origin: germline.
Comment: The LMBR1 c.1408C>T variant is predicted to result in the amino acid substitution p.Pro470Ser. To our knowledge, this variant has not been reported in the literature. This variant is reported in 0.030% of alleles in individuals of European (Non-Finnish) descent in gnomAD. Although we suspect that this variant may be benign, at this time, the clinical significance of this variant is uncertain due to the absence of conclusive functional and genetic evidence.

Labcorp Genetics (formerly Invitae), Labcorp
Classification: Uncertain significance. Last evaluated: 2025-04-24. Review status: criteria provided, single submitter. Criteria: Invitae Variant Classification Sherloc (09022015). Collection method: clinical testing. Allele origin: germline.
Comment: This sequence change replaces proline, which is neutral and non-polar, with serine, which is neutral and polar, at codon 470 of the LMBR1 protein (p.Pro470Ser). This variant is present in population databases (rs369873566, gnomAD 0.03%). This variant has not been reported in the literature in individuals affected with LMBR1-related conditions. ClinVar contains an entry for this variant (Variation ID: 2352582). Invitae Evidence Modeling of protein sequence and biophysical properties (such as structural, functional, and spatial information, amino acid conservation, physicochemical variation, residue mobility, and thermodynamic stability) indicates that this missense variant is not expected to disrupt LMBR1 protein function with a negative predictive value of 80%. In summary, the available evidence is currently insufficient to determine the role of this variant in disease. Therefore, it has been classified as a Variant of Uncertain Significance.

Ambry Genetics
Classification: Likely benign for Inborn genetic diseases. Last evaluated: 2021-12-14. Review status: criteria provided, single submitter. Criteria: Ambry Variant Classification Scheme 2023. Collection method: clinical testing. Allele origin: germline.